The following is an entry in ClinVar:

NM_017654.4(SAMD9):c.480_481del (p.Val162fs)

Gene: SAMD9 (sterile alpha motif domain containing 9; minus strand). Cytogenetic location: 7q21.2.
Variant type: Deletion.
Coding change: c.480_481del on transcript NM_017654.4 (MANE Select); coding-DNA positions 480 to 481, 2 bases deleted (AT; older notation c.480_481delAT).
Protein change: p.Val162fs; shifts the reading frame from valine 162.
Molecular consequence: frameshift variant.
Genome position (GRCh38, 1-based): chr7:93,105,617-93,105,618, AT deleted on the plus strand (AT on the coding strand, the reverse complement: SAMD9 is on the minus strand). VCF-style (leftmost placement, unchanged base first): chr7-93105616-CAT-C. GRCh37 (hg19) VCF-style: chr7-92734929-CAT-C.
Other names: c.480_481del, p.Val162fs (NM_001193307.2); short protein forms V162fs.
Identifiers: ClinVar variation 2821927 (VCV002821927.3), dbSNP rs1233156760, ClinGen allele CA576706814.

ClinVar aggregate classification (germline): Uncertain significance (1 of 4 stars; one submission).

Allele frequency attached by ClinVar (database versions not stated): gnomAD exomes below 0.00001; TOPMed below 0.00001; gnomAD 0.00001.

Submission:

Labcorp Genetics (formerly Invitae), Labcorp
Classification: Uncertain significance. Last evaluated: 2024-10-13. Review status: criteria provided, single submitter. Criteria: Invitae Variant Classification Sherloc (09022015). Collection method: clinical testing. Allele origin: germline.
Comment: This sequence change creates a premature translational stop signal (p.Val162Ilefs*5) in the SAMD9 gene. While this is not anticipated to result in nonsense mediated decay, it is expected to disrupt the last 1428 amino acid(s) of the SAMD9 protein. This variant is present in population databases (no rsID available, gnomAD 0.003%). This variant has not been reported in the literature in individuals affected with SAMD9-related conditions. Experimental studies and prediction algorithms are not available or were not evaluated, and the functional significance of this variant is currently unknown. In summary, the available evidence is currently insufficient to determine the role of this variant in disease. Therefore, it has been classified as a Variant of Uncertain Significance.